The following is an entry in ClinVar:

NM_004562.3(PRKN):c.727G>A (p.Asp243Asn)

Gene: PRKN (parkin RBR E3 ubiquitin protein ligase; minus strand). Cytogenetic location: 6q26.
Variant type: single nucleotide variant.
Coding change: c.727G>A on transcript NM_004562.3 (MANE Select); coding-DNA position 727, G replaced by A.
Protein change: p.Asp243Asn; replaces aspartic acid 243 with asparagine.
Molecular consequence: missense variant.
Genome position (GRCh38, 1-based): chr6:161,973,309, C>T on the plus strand (G>A on the coding strand, the complement: PRKN is on the minus strand). VCF-style: chr6-161973309-C-T. GRCh37 (hg19) VCF-style: chr6-162394341-C-T.
Other names: c.643G>A, p.Asp215Asn (NM_013987.3); c.280G>A, p.Asp94Asn (NM_013988.3); short protein forms D243N, D94N, D215N.
Identifiers: ClinVar variation 447913 (VCV000447913.12), dbSNP rs146173584, ClinGen allele CA4090262.

ClinVar aggregate classification (germline): Uncertain significance. Review status: criteria provided, multiple submitters, no conflicts (2 of 4 stars). 5 submissions from 5 submitters: Uncertain significance (5). Last evaluated 2025-08-28.

Conditions:
Autosomal recessive juvenile Parkinson disease 2. Also called: PARKINSON DISEASE, JUVENILE, AUTOSOMAL RECESSIVE; PRKN-Related Early-Onset Parkinson Disease; Parkinson disease, juvenile, type 2; Parkinson disease autosomal recessive, early onset; Juvenile parkinsonism; Parkinsonism, early onset, with diurnal fluctuation. Identifiers: Orphanet 2828, MedGen C1868675, MONDO:0010820, OMIM 600116.
Ovarian cancer. Also called: OVARIAN CANCER, SOMATIC. Identifiers: Orphanet 213500, MedGen C1140680, MONDO:0008170, OMIM 167000.
Lung cancer. Also called: Lung cancer, somatic; Malignant tumor of lung. Identifiers: MedGen C0242379, MONDO:0008903, OMIM 211980.

Allele frequency attached by ClinVar (database versions not stated): 1000 Genomes Project 30x 0.00031; TOPMed 0.00011; ESP Exome Variant Server 0.00015; gnomAD exomes 0.00018 and 0.00029; 1000 Genomes Project 0.00020; ExAC 0.00030; gnomAD 0.00009 and 0.00010.
gnomAD v4.1: 283 of 1,606,124 alleles (0.018%); highest among the groups gnomAD compares: Middle Eastern, 0.28%; 4 homozygotes.

Submissions (5):

Athena Diagnostics
Classification: Uncertain significance. Last evaluated: 2025-08-28. Review status: criteria provided, single submitter. Criteria: Athena Diagnostics Criteria. Collection method: clinical testing. Allele origin: unknown.
Comment: Available data are insufficient to determine the clinical significance of the variant at this time. The frequency of this variant in the general population is uninformative in assessment of its pathogenicity. This variant has been identified in at least one individual with clinical features associated with this gene. Polyphen and MutationTaster yielded discordant predictions regarding whether this amino acid change is damaging to the protein.

Labcorp Genetics (formerly Invitae), Labcorp
Classification: Uncertain significance. Last evaluated: 2025-08-17. Review status: criteria provided, single submitter. Criteria: Invitae Variant Classification Sherloc (09022015). Collection method: clinical testing. Allele origin: germline.
Comment: This sequence change replaces aspartic acid, which is acidic and polar, with asparagine, which is neutral and polar, at codon 243 of the PRKN protein (p.Asp243Asn). This variant is present in population databases (rs146173584, gnomAD 0.2%). This missense change has been observed in individual(s) with Parkinson disease (PMID: 22233331, 35810474). ClinVar contains an entry for this variant (Variation ID: 447913). Invitae Evidence Modeling of protein sequence and biophysical properties (such as structural, functional, and spatial information, amino acid conservation, physicochemical variation, residue mobility, and thermodynamic stability) indicates that this missense variant is not expected to disrupt PRKN protein function with a negative predictive value of 80%. In summary, the available evidence is currently insufficient to determine the role of this variant in disease. Therefore, it has been classified as a Variant of Uncertain Significance.

Department of Pathology and Laboratory Medicine, Sinai Health System
Classification: Uncertain significance for Autosomal recessive juvenile Parkinson disease 2; Lung cancer; Ovarian cancer. Last evaluated: 2022-03-01. Review status: criteria provided, single submitter. Criteria: ACMG Guidelines, 2015. Collection method: research. Allele origin: germline.

MGZ Medical Genetics Center
Classification: Uncertain significance for Autosomal recessive juvenile Parkinson disease 2. Last evaluated: 2022-02-23. Review status: criteria provided, single submitter. Criteria: ACMG Guidelines, 2015. Collection method: clinical testing. Allele origin: germline. Affected: yes. Observed: 1 variant allele.
Comment: ACMG criteria applied: PM2_SUP, PP3, BS4

Breakthrough Genomics
Classification: Uncertain significance. Review status: criteria provided, single submitter. Criteria: ACMG Guidelines, 2015. Collection method: not provided. Allele origin: germline. Inheritance: Autosomal recessive inheritance. Affected: yes.

Literature cited by the submitters: PubMed 22233331 (cited by Athena Diagnostics and Labcorp Genetics (formerly Invitae), Labcorp); PubMed 15729528 (cited by Athena Diagnostics); PubMed 19351622 (cited by Athena Diagnostics); PubMed 23727886 (cited by Athena Diagnostics); PubMed 19946270 (cited by Athena Diagnostics); PubMed 38664407 (cited by Athena Diagnostics); PubMed 35810474 (cited by Athena Diagnostics and Labcorp Genetics (formerly Invitae), Labcorp); PubMed 12392798 (cited by Athena Diagnostics).